The following is an entry in ClinVar:

NM_001197104.2(KMT2A):c.8041G>A (p.Asp2681Asn)

Gene: KMT2A (lysine methyltransferase 2A; plus strand). Cytogenetic location: 11q23.3.
Variant type: single nucleotide variant.
Coding change: c.8041G>A on transcript NM_001197104.2 (MANE Select); coding-DNA position 8041, G replaced by A.
Protein change: p.Asp2681Asn; replaces aspartic acid 2681 with asparagine.
Molecular consequence: missense variant.
Genome position (GRCh38, 1-based): chr11:118,503,933, G>A. VCF-style: chr11-118503933-G-A. GRCh37 (hg19) VCF-style: chr11-118374648-G-A.
Other names: c.8032G>A, p.Asp2678Asn (NM_005933.4); c.8041G>A (NM_001197104.1); short protein forms D2678N, D2681N.
Identifiers: ClinVar variation 1424458 (VCV001424458.11), dbSNP rs1202827611, ClinGen allele CA382808392.

ClinVar aggregate classification (germline): Uncertain significance. Review status: criteria provided, multiple submitters, no conflicts (2 of 4 stars). 3 submissions from 3 submitters: Uncertain significance (3). Last evaluated 2026-08-13.

Conditions:
Inborn genetic diseases. Identifiers: MedGen C0950123, MeSH D030342.

Allele frequency attached by ClinVar (database versions not stated): gnomAD exomes below 0.00001 and 0.00001; TOPMed 0.00001; gnomAD 0.00001.
gnomAD v4.1: 10 of 1,614,028 alleles (0.00062%); highest among the groups gnomAD compares: Admixed American, 0.0017%; no homozygotes.

Submissions (3):

Ambry Genetics
Classification: Uncertain significance for Inborn genetic diseases. Last evaluated: 2026-08-13. Review status: criteria provided, single submitter. Criteria: Ambry Variant Classification Scheme 2023. Collection method: clinical testing. Allele origin: germline.
Comment: The c.8041G>A (p.D2681N) alteration is located in exon 27 (coding exon 27) of the KMT2A gene. This alteration results from a G to A substitution at nucleotide position 8041, causing the aspartic acid (D) at amino acid position 2681 to be replaced by an asparagine (N). Based on data from gnomAD, the A allele has an overall frequency of <0.001% (1/251374) total alleles studied. The highest observed frequency was 0.001% (1/113674) of European (non-Finnish) alleles. Based on insufficient or conflicting evidence, the clinical significance of this alteration remains unclear.

Labcorp Genetics (formerly Invitae), Labcorp
Classification: Uncertain significance. Last evaluated: 2026-01-26. Review status: criteria provided, single submitter. Criteria: Invitae Variant Classification Sherloc (09022015). Collection method: clinical testing. Allele origin: germline.
Comment: This sequence change replaces aspartic acid, which is acidic and polar, with asparagine, which is neutral and polar, at codon 2681 of the KMT2A protein (p.Asp2681Asn). This variant is present in population databases (no rsID available, gnomAD 0.0009%). This variant has not been reported in the literature in individuals affected with KMT2A-related conditions. ClinVar contains an entry for this variant (Variation ID: 1424458). Invitae Evidence Modeling of protein sequence and biophysical properties (such as structural, functional, and spatial information, amino acid conservation, physicochemical variation, residue mobility, and thermodynamic stability) indicates that this missense variant is not expected to disrupt KMT2A protein function with a negative predictive value of 95%. In summary, the available evidence is currently insufficient to determine the role of this variant in disease. Therefore, it has been classified as a Variant of Uncertain Significance.

Laboratorio de Genetica e Diagnostico Molecular, Hospital Israelita Albert Einstein
Classification: Uncertain significance. Last evaluated: 2020-08-30. Review status: criteria provided, single submitter. Criteria: ACMG Guidelines, 2015. Collection method: clinical testing. Allele origin: germline. Affected: yes.
Comment: ACMG classification criteria: PM2